The following is an entry in ClinVar:

NM_020822.3(KCNT1):c.800T>C (p.Met267Thr)

Gene: KCNT1 (potassium sodium-activated channel subfamily T member 1; plus strand). Cytogenetic location: 9q34.3.
Variant type: single nucleotide variant.
Coding change: c.800T>C on transcript NM_020822.3 (MANE Select); coding-DNA position 800, T replaced by C.
Protein change: p.Met267Thr; replaces methionine 267 with threonine.
Molecular consequence: missense variant.
Genome position (GRCh38, 1-based): chr9:135,758,454, T>C. VCF-style: chr9-135758454-T-C. GRCh37 (hg19) VCF-style: chr9-138650300-T-C.
Other names: c.656T>C, p.Met219Thr (NM_001272003.2); short protein forms M267T, M219T.
Identifiers: ClinVar variation 561039 (VCV000561039.9), dbSNP rs1564354299, ClinGen allele CA375498178.

ClinVar aggregate classification (germline): Pathogenic/Likely pathogenic. Review status: criteria provided, multiple submitters, no conflicts (2 of 4 stars). 5 submissions from 5 submitters: Pathogenic (2); Likely pathogenic (3). Last evaluated 2023-09-06.

Conditions:
Inborn genetic diseases. Identifiers: MedGen C0950123, MeSH D030342.
Developmental and epileptic encephalopathy, 14 (DEE14). Also called: Early infantile epileptic encephalopathy 14. Identifiers: Orphanet 293181, MedGen C3554195, MONDO:0013989, OMIM 614959.
KCNT1-related disorder. Also called: KCNT1-related condition.

Submissions (5):

PreventionGenetics, part of Exact Sciences
Classification: Likely pathogenic for KCNT1-related condition. Last evaluated: 2023-09-06. Review status: criteria provided, single submitter. Criteria: ACMG Guidelines, 2015. Collection method: clinical testing. Allele origin: germline.
Comment: The KCNT1 c.800T>C variant is predicted to result in the amino acid substitution p.Met267Thr. This variant was reported in heterozygous state in several individuals with early infantile epileptic encephalopathy and occurred de novo in at least two individuals (Table e3; Meng et al. 2017. PubMed ID: 28973083; Table S1 and S2, Burgess et al. 2019. PubMed ID: 31618474; Table S4, Bonardi et al. 2021. PubMed ID: 34114611). This variant has not been reported in a large population database, indicating this variant is rare. This variant is interpreted as likely pathogenic.

GeneDx
Classification: Pathogenic. Last evaluated: 2022-07-13. Review status: criteria provided, single submitter. Criteria: GeneDx Variant Classification Process June 2021. Collection method: clinical testing. Allele origin: germline. Affected: yes.
Comment: Not observed at significant frequency in large population cohorts (gnomAD); In silico analysis supports that this missense variant has a deleterious effect on protein structure/function; This variant is associated with the following publications: (PMID: 28973083, 31618474)

Blueprint Genetics
Classification: Pathogenic for KCNT1-related disorders. Last evaluated: 2022-01-26. Review status: criteria provided, single submitter. Criteria: ACMG Guidelines, 2015. Collection method: clinical testing. Allele origin: germline. Affected: yes. Observed: 2 variant alleles.

Ambry Genetics
Classification: Likely pathogenic for Inborn genetic diseases. Last evaluated: 2018-09-18. Review status: criteria provided, single submitter. Criteria: Ambry exome assertion method (8-5-2015). Collection method: clinical testing. Allele origin: germline. Affected: yes. Observed: 1 variant allele.

Baylor Genetics
Classification: Likely pathogenic for Developmental and epileptic encephalopathy, 14. Review status: criteria provided, single submitter. Criteria: ACMG Guidelines, 2015. Collection method: clinical testing. Allele origin: unknown.

Literature cited by the submitters: PubMed 28973083 (cited by Ambry Genetics); PubMed 26740507 (cited by Ambry Genetics); PubMed 25326635 (cited by Baylor Genetics).